The following is an entry in ClinVar:

NM_020921.4(NIN):c.3630A>C (p.Leu1210Phe)

Gene: NIN (ninein; minus strand). Cytogenetic location: 14q22.1.
Variant type: single nucleotide variant.
Coding change: c.3630A>C on transcript NM_020921.4 (MANE Select); coding-DNA position 3630, A replaced by C.
Protein change: p.Leu1210Phe; replaces leucine 1210 with phenylalanine.
Molecular consequence: missense variant. On other transcripts: intron variant (1).
Genome position (GRCh38, 1-based): chr14:50,757,400, T>G on the plus strand (A>C on the coding strand, the complement: NIN is on the minus strand). VCF-style: chr14-50757400-T-G. GRCh37 (hg19) VCF-style: chr14-51224118-T-G.
Other names: c.3630A>C, p.Leu1210Phe (NM_182944.3, NM_182946.2); c.2399+2457A>C (NM_016350.5); short protein forms L1210F.
Identifiers: ClinVar variation 3020871 (VCV003020871.3), dbSNP rs2505818724, ClinGen allele CA389696800.

ClinVar aggregate classification (germline): Uncertain significance (1 of 4 stars; one submission).

Allele frequency attached by ClinVar (database versions not stated): gnomAD exomes below 0.00001.
gnomAD v4.1: 1 of 1,614,212 alleles (0.000062%); highest among the groups gnomAD compares: Admixed American, 0.0017%; no homozygotes.

Submission:

Labcorp Genetics (formerly Invitae), Labcorp
Classification: Uncertain significance. Last evaluated: 2025-01-06. Review status: criteria provided, single submitter. Criteria: Invitae Variant Classification Sherloc (09022015). Collection method: clinical testing. Allele origin: germline.
Comment: This sequence change replaces leucine, which is neutral and non-polar, with phenylalanine, which is neutral and non-polar, at codon 1210 of the NIN protein (p.Leu1210Phe). This variant is not present in population databases (gnomAD no frequency). This variant has not been reported in the literature in individuals affected with NIN-related conditions. ClinVar contains an entry for this variant (Variation ID: 3020871). An algorithm developed to predict the effect of missense changes on protein structure and function (PolyPhen-2) suggests that this variant is likely to be disruptive. In summary, the available evidence is currently insufficient to determine the role of this variant in disease. Therefore, it has been classified as a Variant of Uncertain Significance.